The following is an entry in ClinVar:

NM_018139.3(DNAAF2):c.631G>A (p.Ala211Thr)

Gene: DNAAF2 (dynein axonemal assembly factor 2; minus strand). Cytogenetic location: 14q21.3.
Variant type: single nucleotide variant.
Coding change: c.631G>A on transcript NM_018139.3 (MANE Select); coding-DNA position 631, G replaced by A.
Protein change: p.Ala211Thr; replaces alanine 211 with threonine.
Molecular consequence: missense variant.
Genome position (GRCh38, 1-based): chr14:49,634,519, C>T on the plus strand (G>A on the coding strand, the complement: DNAAF2 is on the minus strand). VCF-style: chr14-49634519-C-T. GRCh37 (hg19) VCF-style: chr14-50101237-C-T.
Other names: c.631G>A, p.Ala211Thr (NM_001083908.2); c.631G>A (NM_018139.2); short protein forms A211T.
Identifiers: ClinVar variation 1045272 (VCV001045272.10), dbSNP rs868693971, ClinGen allele CA260669198.

ClinVar aggregate classification (germline): Uncertain significance. Review status: criteria provided, multiple submitters, no conflicts (2 of 4 stars). 2 submissions from 2 submitters: Uncertain significance (2). Last evaluated 2022-08-08.

Conditions:
Primary ciliary dyskinesia. Also called: Ciliary dyskinesia. Identifiers: Orphanet 244, MedGen C0008780, MONDO:0016575, HP:0012265.

Allele frequency attached by ClinVar (database versions not stated): gnomAD exomes below 0.00001; TOPMed below 0.00001; gnomAD 0.00001.

Submissions (2):

Ambry Genetics
Classification: Uncertain significance for Primary ciliary dyskinesia. Last evaluated: 2022-08-08. Review status: criteria provided, single submitter. Criteria: Ambry Variant Classification Scheme 2023. Collection method: clinical testing. Allele origin: germline.

Labcorp Genetics (formerly Invitae), Labcorp
Classification: Uncertain significance for Primary ciliary dyskinesia. Last evaluated: 2022-07-05. Review status: criteria provided, single submitter. Criteria: Invitae Variant Classification Sherloc (09022015). Collection method: clinical testing. Allele origin: germline.
Comment: In summary, the available evidence is currently insufficient to determine the role of this variant in disease. Therefore, it has been classified as a Variant of Uncertain Significance. Algorithms developed to predict the effect of missense changes on protein structure and function output the following: SIFT: "Tolerated"; PolyPhen-2: "Benign"; Align-GVGD: "Class C0". The threonine amino acid residue is found in multiple mammalian species, which suggests that this missense change does not adversely affect protein function. ClinVar contains an entry for this variant (Variation ID: 1045272). This variant has not been reported in the literature in individuals affected with DNAAF2-related conditions. This variant is not present in population databases (gnomAD no frequency). This sequence change replaces alanine, which is neutral and non-polar, with threonine, which is neutral and polar, at codon 211 of the DNAAF2 protein (p.Ala211Thr).